The following is an entry in ClinVar:

ClinVar aggregate classification (germline): Uncertain significance (1 of 4 stars; one submission).

Submission:

CeGaT Center for Human Genetics Tuebingen
Classification: Uncertain significance. Last evaluated: 2024-11-01. Review status: criteria provided, single submitter. Criteria: CeGaT Center For Human Genetics Tuebingen Variant Classification Criteria Version 2. Collection method: clinical testing. Allele origin: germline. Affected: yes. Observed: 1 variant allele.
Comment: NANS: PM2

NM_018946.4(NANS):c.1070T>C (p.Ile357Thr)

Genes: NANS (N-acetylneuraminate synthase; plus strand), TRIM14 (tripartite motif containing 14; minus strand). Cytogenetic location: 9q22.33.
Variant type: single nucleotide variant.
Coding change: c.1070T>C on transcript NM_018946.4 (MANE Select); coding-DNA position 1070, T replaced by C.
Protein change: p.Ile357Thr; replaces isoleucine 357 with threonine.
Molecular consequence: missense variant.
Genome position (GRCh38, 1-based): chr9:98,083,045, T>C. VCF-style: chr9-98083045-T-C. GRCh37 (hg19) VCF-style: chr9-100845327-T-C.
Other names: short protein forms I357T.
Identifiers: ClinVar variation 3390037 (VCV003390037.14).